The following is an entry in ClinVar:

ClinVar aggregate classification (germline): Pathogenic (1 of 4 stars; one submission).

Conditions:
Primary ciliary dyskinesia. Also called: Ciliary dyskinesia. Identifiers: Orphanet 244, MedGen C0008780, MONDO:0016575, HP:0012265.

Submission:

Labcorp Genetics (formerly Invitae), Labcorp
Classification: Pathogenic for Primary ciliary dyskinesia. Last evaluated: 2022-02-04. Review status: criteria provided, single submitter. Criteria: Invitae Variant Classification Sherloc (09022015). Collection method: clinical testing. Allele origin: germline.
Comment: For these reasons, this variant has been classified as Pathogenic. This variant has not been reported in the literature in individuals affected with DNAH5-related conditions. This variant is not present in population databases (gnomAD no frequency). This sequence change creates a premature translational stop signal (p.Asp2573Glyfs*9) in the DNAH5 gene. It is expected to result in an absent or disrupted protein product. Loss-of-function variants in DNAH5 are known to be pathogenic (PMID: 11788826, 16627867).

Literature cited by the submitters: PubMed 11788826; PubMed 16627867.

NM_001369.3(DNAH5):c.7717dup (p.Asp2573fs)

Gene: DNAH5 (dynein axonemal heavy chain 5; minus strand). Cytogenetic location: 5p15.2.
Variant type: Duplication.
Coding change: c.7717dup on transcript NM_001369.3 (MANE Select); coding-DNA position 7717, one base duplicated (G; older notation c.7717dupG).
Protein change: p.Asp2573fs; shifts the reading frame from aspartic acid 2573.
Molecular consequence: frameshift variant.
Genome position (GRCh38, 1-based): chr5:13,809,079, C duplicated on the plus strand (G on the coding strand, the reverse complement: DNAH5 is on the minus strand). VCF-style (leftmost placement, unchanged base first): chr5-13809078-T-TC. GRCh37 (hg19) VCF-style: chr5-13809187-T-TC.
Other names: short protein forms D2573fs.
Identifiers: ClinVar variation 2093203 (VCV002093203.4), dbSNP rs2546800624, ClinGen allele CA2580072012.